The following is an entry in ClinVar:

NM_018055.5(NODAL):c.944del (p.Pro315fs)

Gene: NODAL (nodal growth differentiation factor; minus strand). Cytogenetic location: 10q22.1.
Variant type: Deletion.
Coding change: c.944del on transcript NM_018055.5 (MANE Select); coding-DNA position 944, one base deleted (C; older notation c.944delC).
Protein change: p.Pro315fs; shifts the reading frame from proline 315.
Molecular consequence: frameshift variant.
Genome position (GRCh38, 1-based): chr10:70,433,036, G deleted on the plus strand (C on the coding strand, the reverse complement: NODAL is on the minus strand); the first of 4 consecutive G bases (chr10:70,433,036-70,433,039); deleting any one gives the same sequence. VCF-style (leftmost placement, unchanged base first): chr10-70433035-TG-T. GRCh37 (hg19) VCF-style: chr10-72192791-TG-T.
Other names: c.545del, p.Pro182fs (NM_001329906.2); short protein forms P182fs, P315fs.
Identifiers: ClinVar variation 5002077 (VCV005002077.1).

ClinVar aggregate classification (germline): Uncertain significance (1 of 4 stars; one submission).

Conditions:
NODAL-related disorder. Also called: NODAL-related disorders; NODAL-related condition. Identifiers: MedGen CN239298.

Submission:

PreventionGenetics, part of Exact Sciences
Classification: Uncertain significance for NODAL-related condition. Last evaluated: 2024-12-11. Review status: criteria provided, single submitter. Criteria: ACMG Guidelines, 2015. Collection method: clinical testing. Allele origin: germline.
Comment: The NODAL c.944delC variant is predicted to result in a frameshift and premature protein termination (p.Pro315Glnfs*2). This variant located in the final exon and is therefore not predicted to result in nonsense mediated decay but disrupts the final 32 amino acids. To our knowledge, this variant has not been reported in the literature or in a large population database (gnomAD), indicating this variant is rare. Although frameshift variants are expected to be pathogenic, relatively few have been reported near this variant in patients with congenital heart disease (Arg307* in Table S5, Alankarage et al. 2019. PubMed ID: 30293987; p.Glu342AsnfsTer28 in Table S1, Monies et al. 2019. PubMed ID: 31130284). Although we suspect that this variant may be pathogenic, at this time, the clinical significance of this variant is uncertain due to the absence of conclusive functional and genetic evidence.